The following is an entry in ClinVar:

ClinVar aggregate classification (germline): Likely benign. Review status: criteria provided, multiple submitters, no conflicts (2 of 4 stars). 2 submissions from 2 submitters: Likely benign (2). Last evaluated 2024-07-29.

Conditions:
Hereditary cancer-predisposing syndrome. Also called: Hereditary Cancer Syndrome; Hereditary neoplastic syndrome; Neoplastic Syndromes, Hereditary; Tumor predisposition. Identifiers: Orphanet 140162, MedGen C0027672, MeSH D009386, MONDO:0015356.
Familial adenomatous polyposis 2. Also called: MUTYH-associated polyposis; MUTYH-related attenuated familial adenomatous polyposis; FAP type 2; Adenomas, multiple colorectal; MYH-associated polyposis; MUTYH Polyposis. Identifiers: Orphanet 220460, Orphanet 247798, MedGen C3272841, MONDO:0012041, OMIM 608456.

Allele frequency attached by ClinVar (database versions not stated): gnomAD exomes 0.00001; ExAC 0.00003.
gnomAD v4.1: 6 of 1,614,004 alleles (0.00037%); highest among the groups gnomAD compares: Admixed American, 0.01%; no homozygotes.

Submissions (2):

All of Us Research Program, National Institutes of Health
Classification: Likely benign for Familial adenomatous polyposis 2. Last evaluated: 2024-07-29. Review status: criteria provided, single submitter. Criteria: ACMG Guidelines, 2015. Collection method: clinical testing. Allele origin: germline. Inheritance: Autosomal recessive inheritance. Observed: 1 variant allele, 1 heterozygote.
Comment: This study involves interpretation of variants in research participants for the purpose of population health screening. Participant phenotype was not available at the time of variant classification. Additional details can be found in publication PMID: 35346344, PMCID: PMC8962531

Ambry Genetics
Classification: Likely benign for Hereditary cancer-predisposing syndrome. Last evaluated: 2020-03-16. Review status: criteria provided, single submitter. Criteria: Ambry Variant Classification Scheme 2023. Collection method: clinical testing. Allele origin: germline.

NM_001048174.2(MUTYH):c.1081C>T (p.Leu361=)

Gene: MUTYH (mutY DNA glycosylase; minus strand). Cytogenetic location: 1p34.1.
Variant type: single nucleotide variant.
Coding change: c.1081C>T on transcript NM_001048174.2 (MANE Select); coding-DNA position 1081, C replaced by T.
Protein change: p.Leu361=; no amino-acid change (leucine 361 retained).
Molecular consequence: synonymous variant. On other transcripts: non-coding transcript variant (7).
Genome position (GRCh38, 1-based): chr1:45,331,682, G>A on the plus strand (C>T on the coding strand, the complement: MUTYH is on the minus strand). VCF-style: chr1-45331682-G-A. GRCh37 (hg19) VCF-style: chr1-45797354-G-A.
Other names: c.1081C>T, p.Leu361= (NM_001048171.2, NM_001048173.2, NM_001293195.2 and 6 more transcripts); c.1084C>T, p.Leu362= (NM_001048172.2, NM_001407071.1, NM_001407078.1 and 1 more transcripts); c.1165C>T, p.Leu389= (NM_001128425.2); c.1126C>T, p.Leu376= (NM_001293190.2); c.1114C>T, p.Leu372= (NM_001293191.2, NM_001407069.1, NM_001407077.1); c.805C>T, p.Leu269= (NM_001293192.2, NM_001293196.2, NM_001407091.1); c.736C>T, p.Leu246= (NM_001350650.2, NM_001350651.2, NM_001407082.1); c.997C>T, p.Leu333= (NM_001407075.1); and 5 more.
Identifiers: ClinVar variation 1738050 (VCV001738050.3), dbSNP rs781774129, ClinGen allele CA055245.